The following is an entry in ClinVar:

NM_020928.2(ZSWIM6):c.677-3_677-2insT

Gene: ZSWIM6 (zinc finger SWIM-type containing 6; plus strand). Cytogenetic location: 5q12.1.
Variant type: Insertion.
Coding change: c.677-3_677-2insT on transcript NM_020928.2 (MANE Select); 3 bases into the intron before coding-DNA position 677 through the canonical splice acceptor site of the intron before coding-DNA position 677, T inserted.
Molecular consequence: splice acceptor variant.
Genome position: GRCh38 VCF-style: chr5-61472678-A-AT. GRCh37 (hg19) VCF-style: chr5-60768505-A-AT.
Identifiers: ClinVar variation 3058096 (VCV003058096.2), dbSNP rs2479004784, ClinGen allele CA2740091728.

ClinVar aggregate classification (germline): Likely benign (0 of 4 stars; one submission).

Conditions:
ZSWIM6-related disorder. Also called: ZSWIM6-related condition.

Submission:

PreventionGenetics, part of Exact Sciences
Classification: Likely benign for ZSWIM6-related condition. Last evaluated: 2022-02-25. Review status: no assertion criteria provided. Collection method: clinical testing. Allele origin: germline.
Comment: This variant is classified as likely benign based on ACMG/AMP sequence variant interpretation guidelines (Richards et al. 2015 PMID: 25741868, with internal and published modifications).